The following is an entry in ClinVar:

NM_000747.3(CHRNB1):c.133G>A (p.Ala45Thr)

Gene: CHRNB1 (cholinergic receptor nicotinic beta 1 subunit; plus strand). Cytogenetic location: 17p13.1.
Variant type: single nucleotide variant.
Coding change: c.133G>A on transcript NM_000747.3 (MANE Select); coding-DNA position 133, G replaced by A.
Protein change: p.Ala45Thr; replaces alanine 45 with threonine.
Molecular consequence: missense variant.
Genome position (GRCh38, 1-based): chr17:7,445,344, G>A. VCF-style: chr17-7445344-G-A. GRCh37 (hg19) VCF-style: chr17-7348663-G-A.
Other names: short protein forms A45T.
Identifiers: ClinVar variation 2440033 (VCV002440033.8), dbSNP rs1908558301, ClinGen allele CA397787253.

ClinVar aggregate classification (germline): Uncertain significance. Review status: criteria provided, multiple submitters, no conflicts (2 of 4 stars). 3 submissions from 3 submitters: Uncertain significance (3). Last evaluated 2025-09-22.

Conditions:
Congenital myasthenic syndrome 2A. Also called: Myasthenic syndrome, congenital, 2a, slow-channel. Identifiers: Orphanet 590, MedGen C4225374, MONDO:0014581, OMIM 616313.

Allele frequency attached by ClinVar (database versions not stated): gnomAD exomes below 0.00001; TOPMed below 0.00001.
gnomAD v4.1: 1 of 1,613,104 alleles (0.000062%); highest among the groups gnomAD compares: Non-Finnish European, 0.000085%; no homozygotes.

Submissions (3):

Labcorp Genetics (formerly Invitae), Labcorp
Classification: Uncertain significance for Congenital myasthenic syndrome 2A. Last evaluated: 2025-09-22. Review status: criteria provided, single submitter. Criteria: Invitae Variant Classification Sherloc (09022015). Collection method: clinical testing. Allele origin: germline.
Comment: This sequence change replaces alanine, which is neutral and non-polar, with threonine, which is neutral and polar, at codon 45 of the CHRNB1 protein (p.Ala45Thr). This variant is not present in population databases (gnomAD no frequency). This variant has not been reported in the literature in individuals affected with CHRNB1-related conditions. ClinVar contains an entry for this variant (Variation ID: 2440033). Invitae Evidence Modeling of protein sequence and biophysical properties (such as structural, functional, and spatial information, amino acid conservation, physicochemical variation, residue mobility, and thermodynamic stability) indicates that this missense variant is not expected to disrupt CHRNB1 protein function with a negative predictive value of 80%. In summary, the available evidence is currently insufficient to determine the role of this variant in disease. Therefore, it has been classified as a Variant of Uncertain Significance.

Women's Health and Genetics/Laboratory Corporation of America, LabCorp
Classification: Uncertain significance. Last evaluated: 2025-04-17. Review status: criteria provided, single submitter. Criteria: LabCorp Variant Classification Summary - May 2015. Collection method: clinical testing. Allele origin: germline.
Comment: Variant summary: CHRNB1 c.133G>A (p.Ala45Thr) results in a non-conservative amino acid change in the encoded protein sequence. Five of five in-silico tools predict a damaging effect of the variant on protein function. The variant was absent in 245434 control chromosomes. The available data on variant occurrences in the general population are insufficient to allow any conclusion about variant significance. To our knowledge, no occurrence of c.133G>A in individuals affected with Congenital Myasthenic Syndrome 2C and no experimental evidence demonstrating its impact on protein function have been reported. ClinVar contains an entry for this variant (Variation ID: 2440033). Based on the evidence outlined above, the variant was classified as uncertain significance.

Revvity Omics, Revvity
Classification: Uncertain significance. Last evaluated: 2019-10-30. Review status: criteria provided, single submitter. Criteria: ACMG Guidelines, 2015. Collection method: clinical testing. Allele origin: germline.